The following is an entry in ClinVar:

NM_001379610.1(SPINK1):c.168T>A (p.Asn56Lys)

Gene: SPINK1 (serine peptidase inhibitor Kazal type 1; minus strand). Cytogenetic location: 5q32.
Variant type: single nucleotide variant.
Coding change: c.168T>A on transcript NM_001379610.1 (MANE Select); coding-DNA position 168, T replaced by A.
Protein change: p.Asn56Lys; replaces asparagine 56 with lysine.
Molecular consequence: missense variant.
Genome position (GRCh38, 1-based): chr5:147,828,048, A>T on the plus strand (T>A on the coding strand, the complement: SPINK1 is on the minus strand). VCF-style: chr5-147828048-A-T. GRCh37 (hg19) VCF-style: chr5-147207611-A-T.
Other names: p.Asn56Lys; c.168T>A, p.Asn56Lys (NM_003122.5, NM_001354966.2); c.168T>A (NM_003122.3); short protein forms N56K.
Identifiers: ClinVar variation 840874 (VCV000840874.12), dbSNP rs1756441667, ClinGen allele CA361885218.

ClinVar aggregate classification (germline): Uncertain significance. Review status: criteria provided, multiple submitters, no conflicts (2 of 4 stars). 4 submissions from 4 submitters: Uncertain significance (4). Last evaluated 2026-08-24.

Conditions:
Hereditary pancreatitis (PCTT). Also called: Hereditary chronic pancreatitis; PRSS1-Related Hereditary Pancreatitis. Identifiers: Orphanet 676, MedGen C0238339, MONDO:0008185, OMIM 167800.

Allele frequency attached by ClinVar (database versions not stated): gnomAD exomes below 0.00001.
gnomAD v4.1: 1 of 1,613,496 alleles (0.000062%); highest among the groups gnomAD compares: Non-Finnish European, 0.000085%; no homozygotes.

Submissions (4):

Ambry Genetics
Classification: Uncertain significance for Hereditary pancreatitis. Last evaluated: 2026-08-24. Review status: criteria provided, single submitter. Criteria: Ambry Variant Classification Scheme 2023. Collection method: clinical testing. Allele origin: germline.
Comment: The p.N56K variant (also known as c.168T>A), located in coding exon 3 of the SPINK1 gene, results from a T to A substitution at nucleotide position 168. The asparagine at codon 56 is replaced by lysine, an amino acid with similar properties. This amino acid position is well conserved in available vertebrate species. In addition, the in silico prediction for this alteration is inconclusive. Based on the available evidence, the clinical significance of this variant remains unclear.

Mayo Clinic Laboratories, Mayo Clinic
Classification: Uncertain significance. Last evaluated: 2023-02-24. Review status: criteria provided, single submitter. Criteria: ACMG Guidelines, 2015. Collection method: clinical testing. Allele origin: germline. Observed: 1 variant allele.

Women's Health and Genetics/Laboratory Corporation of America, LabCorp
Classification: Uncertain significance. Last evaluated: 2020-11-12. Review status: criteria provided, single submitter. Criteria: LabCorp Variant Classification Summary - May 2015. Collection method: clinical testing. Allele origin: germline.
Comment: Variant summary: SPINK1 c.168T>A (p.Asn56Lys) results in a non-conservative amino acid change located in the Kazal domain (IPR002350) of the encoded protein sequence. Five of five in-silico tools predict a damaging effect of the variant on protein function. The variant was absent in 250436 control chromosomes (gnomAD). The available data on variant occurrences in the general population are insufficient to allow any conclusion about variant significance. To our knowledge, no occurrence of c.168T>A in individuals affected with Chronic Pancreatitis Risk and no experimental evidence demonstrating its impact on protein function have been reported. One clinical diagnostic laboratory has submitted clinical-significance assessments for this variant to ClinVar after 2014 without evidence for independent evaluation and cited the variant as uncertain significance. Based on the evidence outlined above, the variant was classified as uncertain significance.

Labcorp Genetics (formerly Invitae), Labcorp
Classification: Uncertain significance for Hereditary pancreatitis. Last evaluated: 2019-08-25. Review status: criteria provided, single submitter. Criteria: Invitae Variant Classification Sherloc (09022015). Collection method: clinical testing. Allele origin: germline.
Comment: This variant is not present in population databases (ExAC no frequency). This sequence change replaces asparagine with lysine at codon 56 of the SPINK1 protein (p.Asn56Lys). The asparagine residue is highly conserved and there is a moderate physicochemical difference between asparagine and lysine. This variant has not been reported in the literature in individuals with SPINK1-related conditions. In summary, the available evidence is currently insufficient to determine the role of this variant in disease. Therefore, it has been classified as a Variant of Uncertain Significance. Algorithms developed to predict the effect of sequence changes on RNA splicing suggest that this variant may create or strengthen a splice site, but this prediction has not been confirmed by published transcriptional studies. Algorithms developed to predict the effect of missense changes on protein structure and function (SIFT, PolyPhen-2, Align-GVGD) all suggest that this variant is likely to be disruptive, but these predictions have not been confirmed by published functional studies and their clinical significance is uncertain.